The following is an entry in ClinVar:

ClinVar aggregate classification (germline): Likely benign (1 of 4 stars; one submission).

gnomAD v4.1: 15 of 1,597,982 alleles (0.00094%); highest among the groups gnomAD compares: Admixed American, 0.024%; no homozygotes.

Submission:

CeGaT Center for Human Genetics Tuebingen
Classification: Likely benign. Last evaluated: 2026-08-01. Review status: criteria provided, single submitter. Criteria: CeGaT Center For Human Genetics Tuebingen Variant Classification Criteria Version 2. Collection method: clinical testing. Allele origin: germline. Affected: yes. Observed: 1 variant allele.
Comment: PSMD12: BP4, BP7

NM_002816.5(PSMD12):c.1083T>C (p.His361=)

Gene: PSMD12 (proteasome 26S subunit, non-ATPase 12; minus strand). Cytogenetic location: 17q24.2.
Variant type: single nucleotide variant.
Coding change: c.1083T>C on transcript NM_002816.5 (MANE Select); coding-DNA position 1083, T replaced by C.
Protein change: p.His361=; no amino-acid change (histidine 361 retained).
Molecular consequence: synonymous variant.
Genome position (GRCh38, 1-based): chr17:67,344,606, A>G on the plus strand (T>C on the coding strand, the complement: PSMD12 is on the minus strand). VCF-style: chr17-67344606-A-G. GRCh37 (hg19) VCF-style: chr17-65340722-A-G.
Other names: c.906T>C, p.His302= (NM_001316341.2); c.1023T>C, p.His341= (NM_174871.4).
Identifiers: ClinVar variation 5039311 (VCV005039311.1).
Genomic context (GRCh38, chr17:67,344,606, plus strand): 5'-TAAAAAGTAAATTCACTAAAGGTTAAAATAAAAATTGTCATCTCTATGACAGATTCTTAC[A>G]TGTTCAACAACTCTGTTCTTCAAGTCTTTCCACCTTTTTTCACCTTCCTCTGTAGAACCA-3'
Protein context (NP_002807.1, residues 351-371): WKDLKNRVVE[His361=]NIRIMAKYYT